The following is an entry in ClinVar:

ClinVar aggregate classification (germline): Pathogenic (3 of 4 stars; one submission).

Conditions:
Glanzmann thrombasthenia. Also called: BLEEDING DISORDER, PLATELET-TYPE, 2; THROMBASTHENIA OF GLANZMANN AND NAEGELI; PLATELET GLYCOPROTEIN IIb-IIIa DEFICIENCY; Thrombasthenia; Glanzmann's thrombasthenia. Identifiers: Orphanet 849, MedGen C0040015, MONDO:0100326.

Submission:

ClinGen Platelet Disorders Variant Curation Expert Panel, ClinGen
Classification: Pathogenic for Glanzmann thrombasthenia. Last evaluated: 2021-04-20. Review status: reviewed by expert panel. Criteria: ClinGen Platelet ACMG Specifications v2. Collection method: curation. Allele origin: germline. Inheritance: Autosomal recessive inheritance.
Comment: The ITGA2B intronic variant NM_000419.5:c.2348+5G>C is predicted by multiple in silico tools to lead to loss of the proximal canonical splice donor. In vitro minigene assays and sequence analysis (PMID: 25728920) support these predictions, suggesting the variant results in nearly complete in-frame skipping of exon 23, reducing the protein length by 27 amino acid residues (p.Ser756Gly783delinsArg). Additional functional studies in COS-7 cells indicate exon 23 skipping leads to significantly reduced surface protein expression (<10% compared to wild type) due to a block in integrin maturation (PMID: 25728920). This variant has been observed in homozygosity in an individual (GT8 in PMID: 25728920) with a phenotype specific for Glanzmann's thrombasthenia (GT). Furthermore, the variant is absent from control population databases. In summary, this variant meets criteria to be classified as pathogenic for GT. GT-specific criteria applied: PP4_strong, PM4, PS3_moderate, PP3, PM2_supporting, PM3_supporting.

NM_000419.5(ITGA2B):c.2348+5G>C

Gene: ITGA2B (integrin subunit alpha 2b; minus strand). Cytogenetic location: 17q21.31.
Variant type: single nucleotide variant.
Coding change: c.2348+5G>C on transcript NM_000419.5 (MANE Select); 5 bases into the intron after coding-DNA position 2348, G replaced by C.
Molecular consequence: intron variant.
Genome position (GRCh38, 1-based): chr17:44,376,303, C>G on the plus strand (G>C on the coding strand, the complement: ITGA2B is on the minus strand). VCF-style: chr17-44376303-C-G. GRCh37 (hg19) VCF-style: chr17-42453671-C-G.
Identifiers: ClinVar variation 1210179 (VCV001210179.1), dbSNP rs776442328, ClinGen allele CA290947484.